The following is an entry in ClinVar:

NM_138409.4(MRAP2):c.559C>G (p.Pro187Ala)

Gene: MRAP2 (melanocortin 2 receptor accessory protein 2; plus strand). Cytogenetic location: 6q14.2.
Variant type: single nucleotide variant.
Coding change: c.559C>G on transcript NM_138409.4 (MANE Select); coding-DNA position 559, C replaced by G.
Protein change: p.Pro187Ala; replaces proline 187 with alanine.
Molecular consequence: missense variant.
Genome position (GRCh38, 1-based): chr6:84,089,422, C>G. VCF-style: chr6-84089422-C-G. GRCh37 (hg19) VCF-style: chr6-84799141-C-G.
Other names: c.301C>G, p.Pro101Ala (NM_001346541.2); c.559C>G, p.Pro187Ala (NM_001346542.2, NM_001346544.2); c.394C>G, p.Pro132Ala (NM_001346543.2); short protein forms P101A, P132A, P187A.
Identifiers: ClinVar variation 2029502 (VCV002029502.4), dbSNP rs1465005376, ClinGen allele CA364869675.
Genomic context (GRCh38, chr6:84,089,422, plus strand): 5'-CCCAACTTTGTGAACACAGACCAGAACTACTTTGGGGAGGATGATCTTCTGATTTCTGAA[C>G]CACCTATTGTTCTGGAAACTAAGCCACTTTCCCAGACCTCACACAAAGACCTGGATTGAG-3'
Protein context (NP_612418.2, residues 177-197): FGEDDLLISE[Pro187Ala]PIVLETKPLS

ClinVar aggregate classification (germline): Uncertain significance (1 of 4 stars; one submission).

Submission:

Labcorp Genetics (formerly Invitae), Labcorp
Classification: Uncertain significance. Last evaluated: 2022-09-07. Review status: criteria provided, single submitter. Criteria: Invitae Variant Classification Sherloc (09022015). Collection method: clinical testing. Allele origin: germline.
Comment: This sequence change replaces proline, which is neutral and non-polar, with alanine, which is neutral and non-polar, at codon 187 of the MRAP2 protein (p.Pro187Ala). This variant is not present in population databases (gnomAD no frequency). This variant has not been reported in the literature in individuals affected with MRAP2-related conditions. Algorithms developed to predict the effect of missense changes on protein structure and function output the following: SIFT: "Tolerated"; PolyPhen-2: "Benign"; Align-GVGD: "Class C0". The alanine amino acid residue is found in multiple mammalian species, which suggests that this missense change does not adversely affect protein function. In summary, the available evidence is currently insufficient to determine the role of this variant in disease. Therefore, it has been classified as a Variant of Uncertain Significance.